The following is an entry in ClinVar:

NM_001110556.2(FLNA):c.3708C>T (p.Gly1236=)

Gene: FLNA (filamin A; minus strand). Cytogenetic location: Xq28.
Variant type: single nucleotide variant.
Coding change: c.3708C>T on transcript NM_001110556.2 (MANE Select); coding-DNA position 3708, C replaced by T.
Protein change: p.Gly1236=; no amino-acid change (glycine 1236 retained).
Molecular consequence: synonymous variant.
Genome position (GRCh38, 1-based): chrX:154,360,087, G>A on the plus strand (C>T on the coding strand, the complement: FLNA is on the minus strand). VCF-style: chrX-154360087-G-A. GRCh37 (hg19) VCF-style: chrX-153588455-G-A.
Other names: c.3708C>T, p.Gly1236= (NM_001456.4); c.3708C>T (NM_001110556.1).
Identifiers: ClinVar variation 288752 (VCV000288752.30), dbSNP rs200363918, ClinGen allele CA10560669.

ClinVar aggregate classification (germline): Conflicting classifications of pathogenicity. Review status: criteria provided, conflicting classifications (1 of 4 stars). 9 submissions from 9 submitters: Uncertain significance (1); Benign (2); Likely benign (6). Last evaluated 2026-06-18.

Conditions:
Oto-palato-digital syndrome, type II (OPD2). Also called: OPD II SYNDROME; FACIOPALATOOSSEOUS SYNDROME; Otopalatodigital Syndrome, Type II; Otopalatodigital Syndrome Type 2 (FLNA-OPD2). Identifiers: Orphanet 669, Orphanet 90652, MedGen C1844696, MONDO:0010571, OMIM 304120.
Frontometaphyseal dysplasia (FMD1). Identifiers: Orphanet 1826, MedGen C0265293, MONDO:0015942.
Melnick-Needles syndrome (MNS). Also called: MELNICK-NEEDLES OSTEODYSPLASTY; OSTEODYSPLASTY OF MELNICK AND NEEDLES; Melnick-Needles Syndrome (FLNA-MNS). Identifiers: Orphanet 2484, MedGen C0025237, MONDO:0010650, OMIM 309350.
Heterotopia, periventricular, X-linked dominant (PVNH1). Also called: X-linked periventricular heterotopia; PERIVENTRICULAR NODULAR HETEROTOPIA 1; PERIVENTRICULAR NODULAR HETEROTOPIA 4; HETEROTOPIA, PERIVENTRICULAR, 1. Identifiers: Orphanet 2149, Orphanet 82004, MedGen C1848213, MONDO:0010233, OMIM 300049.
Familial thoracic aortic aneurysm and aortic dissection (TAAD). Also called: Thoracic aortic aneurysms and dissections. Identifiers: Orphanet 91387, MedGen C4707243, MONDO:0019625.
FLNA-related disorder.

Allele frequency attached by ClinVar (database versions not stated): gnomAD exomes 0.00006 and 0.00019; ExAC 0.00008; gnomAD 0.00010 and 0.00011; TOPMed 0.00012; ESP Exome Variant Server 0.00020; 1000 Genomes Project 30x 0.00021; 1000 Genomes Project 0.00026.
gnomAD v4.1: 220 of 1,210,098 alleles (0.018%); highest among the groups gnomAD compares: Non-Finnish European, 0.023%; no homozygotes.

Submissions (9):

PreventionGenetics, part of Exact Sciences
Classification: Likely benign for FLNA-related condition. Last evaluated: 2026-06-18. Review status: criteria provided, single submitter. Criteria: ACMG Guidelines, 2015. Collection method: clinical testing. Allele origin: germline.
Comment: This variant is classified as likely benign based on ACMG/AMP sequence variant interpretation guidelines (Richards et al. 2015 PMID: 25741868, with internal and published modifications).

Labcorp Genetics (formerly Invitae), Labcorp
Classification: Benign for Oto-palato-digital syndrome, type II; Heterotopia, periventricular, X-linked dominant; Frontometaphyseal dysplasia; Melnick-Needles syndrome. Last evaluated: 2025-12-29. Review status: criteria provided, single submitter. Criteria: Invitae Variant Classification Sherloc (09022015). Collection method: clinical testing. Allele origin: germline.

Women's Health and Genetics/Laboratory Corporation of America, LabCorp
Classification: Benign. Last evaluated: 2024-11-21. Review status: criteria provided, single submitter. Criteria: LabCorp Variant Classification Summary - May 2015. Collection method: clinical testing. Allele origin: germline.

Blueprint Genetics
Classification: Likely benign. Last evaluated: 2023-05-19. Review status: criteria provided, single submitter. Criteria: ACMG Guidelines, 2015. Collection method: clinical testing. Allele origin: germline.

Ambry Genetics
Classification: Likely benign for Familial thoracic aortic aneurysm and aortic dissection. Last evaluated: 2022-06-09. Review status: criteria provided, single submitter. Criteria: Ambry Variant Classification Scheme 2023. Collection method: clinical testing. Allele origin: germline.

GeneDx
Classification: Likely benign. Last evaluated: 2021-09-14. Review status: criteria provided, single submitter. Criteria: GeneDx Variant Classification Process June 2021. Collection method: clinical testing. Allele origin: germline. Affected: yes.

ARUP Laboratories, Molecular Genetics and Genomics, ARUP Laboratories
Classification: Likely benign. Last evaluated: 2017-02-06. Review status: criteria provided, single submitter. Criteria: ARUP Molecular Germline Variant Investigation Process. Collection method: clinical testing. Allele origin: germline.

Eurofins Ntd Llc (ga)
Classification: Uncertain significance. Last evaluated: 2016-07-12. Review status: criteria provided, single submitter. Criteria: EGL Classification Definitions 2015. Collection method: clinical testing. Allele origin: germline. Observed: 1 variant allele, 1 heterozygote.

Genetic Services Laboratory, University of Chicago
Classification: Likely benign. Last evaluated: 2016-01-06. Review status: criteria provided, single submitter. Criteria: ACMG Guidelines, 2015. Collection method: clinical testing. Allele origin: germline. Affected: no.